The following is an entry in ClinVar:

ClinVar aggregate classification (germline): Uncertain significance. Review status: criteria provided, multiple submitters, no conflicts (2 of 4 stars). 2 submissions from 2 submitters: Uncertain significance (2). Last evaluated 2025-08-22.

Conditions:
Inborn genetic diseases. Identifiers: MedGen C0950123, MeSH D030342.

Allele frequency attached by ClinVar (database versions not stated): TOPMed below 0.00001; gnomAD 0.00002; ExAC 0.00003; gnomAD exomes 0.00003.
gnomAD v4.1: 48 of 1,614,060 alleles (0.003%); highest among the groups gnomAD compares: South Asian, 0.052%; no homozygotes.

Submissions (2):

Ambry Genetics
Classification: Uncertain significance for Inborn genetic diseases. Last evaluated: 2025-08-22. Review status: criteria provided, single submitter. Criteria: Ambry Variant Classification Scheme 2023. Collection method: clinical testing. Allele origin: germline.

Labcorp Genetics (formerly Invitae), Labcorp
Classification: Uncertain significance. Last evaluated: 2022-01-14. Review status: criteria provided, single submitter. Criteria: Invitae Variant Classification Sherloc (09022015). Collection method: clinical testing. Allele origin: germline.
Comment: This sequence change replaces aspartic acid, which is acidic and polar, with glutamic acid, which is acidic and polar, at codon 253 of the VDR protein (p.Asp253Glu). This variant is present in population databases (rs746987400, gnomAD 0.02%). This variant has not been reported in the literature in individuals affected with VDR-related conditions. Algorithms developed to predict the effect of missense changes on protein structure and function (SIFT, PolyPhen-2, Align-GVGD) all suggest that this variant is likely to be tolerated. In summary, the available evidence is currently insufficient to determine the role of this variant in disease. Therefore, it has been classified as a Variant of Uncertain Significance.

NM_000376.3(VDR):c.759C>G (p.Asp253Glu)

Gene: VDR (vitamin D receptor; minus strand). Cytogenetic location: 12q13.11.
Variant type: single nucleotide variant.
Coding change: c.759C>G on transcript NM_000376.3 (MANE Select); coding-DNA position 759, C replaced by G.
Protein change: p.Asp253Glu; replaces aspartic acid 253 with glutamic acid.
Molecular consequence: missense variant.
Genome position (GRCh38, 1-based): chr12:47,846,805, G>C on the plus strand (C>G on the coding strand, the complement: VDR is on the minus strand). VCF-style: chr12-47846805-G-C. GRCh37 (hg19) VCF-style: chr12-48240588-G-C.
Other names: c.759C>G (NM_001017535.1); c.759C>G, p.Asp253Glu (NM_001017535.2, NM_001364085.2, NM_001374661.1 and 1 more transcripts); c.909C>G, p.Asp303Glu (NM_001017536.2); short protein forms D253E, D303E.
Identifiers: ClinVar variation 1958573 (VCV001958573.3), dbSNP rs746987400, ClinGen allele CA6533858.